The following is an entry in ClinVar:

ClinVar aggregate classification (germline): Uncertain significance (1 of 4 stars; one submission).

Submission:

Labcorp Genetics (formerly Invitae), Labcorp
Classification: Uncertain significance. Last evaluated: 2024-10-24. Review status: criteria provided, single submitter. Criteria: Invitae Variant Classification Sherloc (09022015). Collection method: clinical testing. Allele origin: germline.
Comment: This sequence change replaces asparagine, which is neutral and polar, with lysine, which is basic and polar, at codon 123 of the PACS2 protein (p.Asn123Lys). This variant is not present in population databases (gnomAD no frequency). This variant has not been reported in the literature in individuals affected with PACS2-related conditions. An algorithm developed to predict the effect of missense changes on protein structure and function (PolyPhen-2) suggests that this variant is likely to be disruptive. In summary, the available evidence is currently insufficient to determine the role of this variant in disease. Therefore, it has been classified as a Variant of Uncertain Significance.

NM_001100913.3(PACS2):c.369C>G (p.Asn123Lys)

Gene: PACS2 (phosphofurin acidic cluster sorting protein 2; plus strand). Cytogenetic location: 14q32.33.
Variant type: single nucleotide variant.
Coding change: c.369C>G on transcript NM_001100913.3 (MANE Select); coding-DNA position 369, C replaced by G.
Protein change: p.Asn123Lys; replaces asparagine 123 with lysine.
Molecular consequence: missense variant.
Genome position (GRCh38, 1-based): chr14:105,355,123, C>G. VCF-style: chr14-105355123-C-G. GRCh37 (hg19) VCF-style: chr14-105821460-C-G.
Other names: c.369C>G, p.Asn123Lys (NM_015197.4); c.168C>G, p.Asn56Lys (NM_001243127.3); short protein forms N56K, N123K.
Identifiers: ClinVar variation 3723718 (VCV003723718.2).
Genomic context (GRCh38, chr14:105,355,123, plus strand): 5'-CTTGAAGAGGGAAGGCAACAAGCTTCAGATCATGCTGCAGCGCAGAAAGCGCTACAAGAA[C>G]AGAACCATCCTGGGCTACAAGACGCTGGCCGCGGGCTCCATCAGCATGGCTGAGGTGAGT-3'
Protein context (NP_001094383.2, residues 113-133): IMLQRRKRYK[Asn123Lys]RTILGYKTLA